The following is an entry in ClinVar:

ClinVar aggregate classification (germline): Likely benign (1 of 4 stars; one submission).

Conditions:
Peutz-Jeghers syndrome (PJS). Also called: POLYPOSIS, HAMARTOMATOUS INTESTINAL; POLYPS-AND-SPOTS SYNDROME; Peutz-Jeghers polyposis; Periorificial lentiginosis syndrome. Identifiers: Orphanet 2869, MedGen C0031269, MeSH D010580, MONDO:0008280, OMIM 175200.

Submission:

Myriad Genetics, Inc.
Classification: Likely benign for Peutz-Jeghers syndrome. Last evaluated: 2025-03-28. Review status: criteria provided, single submitter. Criteria: Myriad Autosomal Dominant, Autosomal Recessive and X-Linked Classification Criteria (2023). Collection method: clinical testing. Allele origin: unknown.
Comment: This variant is considered likely benign. This variant is intronic and is not expected to impact mRNA splicing.

NM_000455.5(STK11):c.921-14C>T

Gene: STK11 (serine/threonine kinase 11; plus strand). Cytogenetic location: 19p13.3.
Variant type: single nucleotide variant.
Coding change: c.921-14C>T on transcript NM_000455.5 (MANE Select); 14 bases into the intron before coding-DNA position 921, C replaced by T.
Molecular consequence: intron variant.
Genome position (GRCh38, 1-based): chr19:1,222,971, C>T. VCF-style: chr19-1222971-C-T. GRCh37 (hg19) VCF-style: chr19-1222970-C-T.
Other names: c.921-14C>T (NM_001407255.1).
Identifiers: ClinVar variation 3903699 (VCV003903699.1).